The following is an entry in ClinVar:

NM_002474.3(MYH11):c.3295C>T (p.Leu1099Phe)

Gene: MYH11 (myosin heavy chain 11; minus strand). Cytogenetic location: 16p13.11.
Variant type: single nucleotide variant.
Coding change: c.3295C>T on transcript NM_002474.3 (MANE Select); coding-DNA position 3295, C replaced by T.
Protein change: p.Leu1099Phe; replaces leucine 1099 with phenylalanine.
Molecular consequence: missense variant.
Genome position (GRCh38, 1-based): chr16:15,735,577, G>A on the plus strand (C>T on the coding strand, the complement: MYH11 is on the minus strand). VCF-style: chr16-15735577-G-A. GRCh37 (hg19) VCF-style: chr16-15829434-G-A.
Other names: c.3316C>T, p.Leu1106Phe (NM_001040113.2, NM_001040114.2); c.3295C>T, p.Leu1099Phe (NM_022844.3); short protein forms L1099F, L1106F.
Identifiers: ClinVar variation 519951 (VCV000519951.16), dbSNP rs757497342, ClinGen allele CA7922022.

ClinVar aggregate classification (germline): Conflicting classifications of pathogenicity. Review status: criteria provided, conflicting classifications (1 of 4 stars). 5 submissions from 5 submitters: Uncertain significance (3); Likely benign (2). Last evaluated 2024-08-13.

Conditions:
Familial thoracic aortic aneurysm and aortic dissection (TAAD). Also called: Thoracic aortic aneurysms and dissections. Identifiers: Orphanet 91387, MedGen C4707243, MONDO:0019625.
Aortic aneurysm, familial thoracic 4 (AAT4). Also called: AORTIC ANEURYSM/AORTIC DISSECTION AND PATENT DUCTUS ARTERIOSUS. Identifiers: MedGen C1851504, MONDO:0007568, OMIM 132900.

Allele frequency attached by ClinVar (database versions not stated): gnomAD below 0.00001 and 0.00001.
gnomAD v4.1: 54 of 1,614,064 alleles (0.0033%); highest among the groups gnomAD compares: South Asian, 0.057%; 2 homozygotes.

Submissions (5):

All of Us Research Program, National Institutes of Health
Classification: Likely benign for Familial thoracic aortic aneurysm and aortic dissection. Last evaluated: 2024-08-13. Review status: criteria provided, single submitter. Criteria: ACMG Guidelines, 2015. Collection method: clinical testing. Allele origin: germline. Inheritance: Autosomal dominant inheritance. Observed: 1 variant allele, 1 heterozygote.
Comment: This study involves interpretation of variants in research participants for the purpose of population health screening. Participant phenotype was not available at the time of variant classification. Additional details can be found in publication PMID: 35346344, PMCID: PMC8962531

Color Diagnostics, LLC DBA Color Health
Classification: Likely benign for Familial thoracic aortic aneurysm and aortic dissection. Last evaluated: 2024-07-26. Review status: criteria provided, single submitter. Criteria: ACMG Guidelines, 2015. Collection method: clinical testing. Allele origin: germline.

Labcorp Genetics (formerly Invitae), Labcorp
Classification: Uncertain significance for Aortic aneurysm, familial thoracic 4. Last evaluated: 2024-02-26. Review status: criteria provided, single submitter. Criteria: Invitae Variant Classification Sherloc (09022015). Collection method: clinical testing. Allele origin: germline.
Comment: This sequence change replaces leucine, which is neutral and non-polar, with phenylalanine, which is neutral and non-polar, at codon 1106 of the MYH11 protein (p.Leu1106Phe). This variant is present in population databases (rs757497342, gnomAD 0.04%). This variant has not been reported in the literature in individuals affected with MYH11-related conditions. ClinVar contains an entry for this variant (Variation ID: 519951). An algorithm developed to predict the effect of missense changes on protein structure and function (PolyPhen-2) suggests that this variant is likely to be disruptive. In summary, the available evidence is currently insufficient to determine the role of this variant in disease. Therefore, it has been classified as a Variant of Uncertain Significance.

CHEO Genetics Diagnostic Laboratory, Children's Hospital of Eastern Ontario
Classification: Uncertain significance for Familial thoracic aortic aneurysm and aortic dissection. Last evaluated: 2023-04-04. Review status: criteria provided, single submitter. Criteria: ACMG Guidelines, 2015. Collection method: clinical testing. Allele origin: germline.

Ambry Genetics
Classification: Uncertain significance for Familial thoracic aortic aneurysm and aortic dissection. Last evaluated: 2021-08-12. Review status: criteria provided, single submitter. Criteria: Ambry Variant Classification Scheme 2023. Collection method: clinical testing. Allele origin: germline.